The following is an entry in ClinVar:

NM_001267550.2(TTN):c.103958G>A (p.Arg34653His)

Genes: TTN (titin; minus strand), TTN-AS1 (TTN antisense RNA 1; plus strand). Cytogenetic location: 2q31.2.
Variant type: single nucleotide variant.
Coding change: c.103958G>A on transcript NM_001267550.2 (MANE Select); coding-DNA position 103958, G replaced by A.
Protein change: p.Arg34653His; replaces arginine 34653 with histidine.
Molecular consequence: missense variant.
Genome position (GRCh38, 1-based): chr2:178,532,657, C>T on the plus strand (G>A on the coding strand, the complement: TTN is on the minus strand). VCF-style: chr2-178532657-C-T. GRCh37 (hg19) VCF-style: chr2-179397384-C-T.
Other names: c.99035G>A, p.Arg33012His (NM_001256850.1); c.76763G>A, p.Arg25588His (NM_003319.4); c.96254G>A, p.Arg32085His (NM_133378.4); c.77138G>A, p.Arg25713His (NM_133432.3); c.77339G>A, p.Arg25780His (NM_133437.4); short protein forms R32085H, R34653H, R25780H, R33012H, R25588H, R25713H.
Identifiers: ClinVar variation 283296 (VCV000283296.34), dbSNP rs72629786, ClinGen allele CA1985512.

ClinVar aggregate classification (germline): Conflicting classifications of pathogenicity. Review status: criteria provided, conflicting classifications (1 of 4 stars). 6 submissions from 6 submitters: Uncertain significance (5); Likely benign (1). Last evaluated 2026-04-16.

Conditions:
TTN-related disorder. Also called: TTN-related disorders; TTN-related condition; TTN-related disease.
Dilated cardiomyopathy 1G (CMD1G). Identifiers: Orphanet 154, MedGen C1858763, MONDO:0011400, OMIM 604145.

Allele frequency attached by ClinVar (database versions not stated): TOPMed 0.00002; ExAC 0.00004.
gnomAD v4.1: 61 of 1,613,832 alleles (0.0038%); highest among the groups gnomAD compares: Middle Eastern, 0.3%; 1 homozygote.

Submissions (6):

PreventionGenetics, part of Exact Sciences
Classification: Uncertain significance for TTN-related condition. Last evaluated: 2026-04-16. Review status: criteria provided, single submitter. Criteria: ACMG Guidelines, 2015. Collection method: clinical testing. Allele origin: germline.
Comment: The TTN c.103958G>A variant is predicted to result in the amino acid substitution p.Arg34653His. This variant has been reported in an individual with dilated cardiomyopathy; however, this individual also carried a causative variant in the LMNA gene which could explain the clinical features (Begay et al. 2015. PubMed ID: 26567375). This variant is reported in 0.020% of alleles in individuals of Latino descent in gnomAD. At this time, the clinical significance of this variant is uncertain due to the absence of conclusive functional and genetic evidence.

Revvity Omics, Revvity
Classification: Uncertain significance. Last evaluated: 2025-06-16. Review status: criteria provided, single submitter. Criteria: ACMG Guidelines, 2015. Collection method: clinical testing. Allele origin: germline.

Molecular Diagnostic Laboratory for Inherited Cardiovascular Disease, Montreal Heart Institute
Classification: Likely benign. Last evaluated: 2025-04-09. Review status: criteria provided, single submitter. Criteria: ACMG Guidelines, 2015. Collection method: clinical testing. Allele origin: germline. Affected: no.

Genomic Medicine Center of Excellence, King Faisal Specialist Hospital and Research Centre
Classification: Uncertain significance for Dilated cardiomyopathy 1G. Last evaluated: 2024-12-18. Review status: criteria provided, single submitter. Criteria: ACMG Guidelines, 2015. Collection method: clinical testing. Allele origin: germline.

CeGaT Center for Human Genetics Tuebingen
Classification: Uncertain significance. Last evaluated: 2024-07-01. Review status: criteria provided, single submitter. Criteria: CeGaT Center For Human Genetics Tuebingen Variant Classification Criteria Version 2. Collection method: clinical testing. Allele origin: germline. Affected: yes. Observed: 3 variant alleles.
Comment: TTN: PM2

Eurofins Ntd Llc (ga)
Classification: Uncertain significance. Last evaluated: 2015-09-10. Review status: criteria provided, single submitter. Criteria: EGL Classification Definitions 2015. Collection method: clinical testing. Allele origin: germline. Observed: 1 variant allele, 1 heterozygote.